The following is an entry in ClinVar:

NM_001320458.2(WNT9B):c.905-4G>A

Genes: LRRC37A2 (leucine rich repeat containing 37 member A2), WNT9B (Wnt family member 9B; plus strand). Cytogenetic location: 17q21.32.
Variant type: single nucleotide variant.
Coding change: c.905-4G>A on transcript NM_001320458.2; 4 bases into the intron before coding-DNA position 905, G replaced by A.
Molecular consequence: intron variant.
Genome position (GRCh38, 1-based): chr17:46,885,030, G>A. VCF-style: chr17-46885030-G-A. GRCh37 (hg19) VCF-style: chr17-44962396-G-A.
Identifiers: ClinVar variation 3050896 (VCV003050896.2), dbSNP rs532002574, ClinGen allele CA8621071.
Genomic context (GRCh38, chr17:46,885,030, plus strand): 5'-TTGCTCCCTCTTTTATATTTCCTTAGCTTTTTTTTTTAGACGAAGTCTTGTTCTTGTTGC[G>A]CAGGTTGGAGTGCAGTGGCAAGATCTCAGCTCATCACAACCTCCACCTCCCGGATTCAAG-3'

ClinVar aggregate classification (germline): Likely benign (0 of 4 stars; one submission).

Conditions:
WNT9B-related disorder. Also called: WNT9B-related condition.

Allele frequency attached by ClinVar (database versions not stated): TOPMed 0.00004; 1000 Genomes Project 30x 0.00141; gnomAD 0.00011; 1000 Genomes Project 0.00100.
gnomAD v4.1: 87 of 433,980 alleles (0.02%); highest among the groups gnomAD compares: South Asian, 0.12%; 2 homozygotes.

Submission:

PreventionGenetics, part of Exact Sciences
Classification: Likely benign for WNT9B-related condition. Last evaluated: 2019-02-22. Review status: no assertion criteria provided. Collection method: clinical testing. Allele origin: germline.
Comment: This variant is classified as likely benign based on ACMG/AMP sequence variant interpretation guidelines (Richards et al. 2015 PMID: 25741868, with internal and published modifications).